The following is an entry in ClinVar:

ClinVar aggregate classification (germline): Pathogenic (1 of 4 stars; one submission).

Conditions:
Hereditary cancer-predisposing syndrome. Also called: Neoplastic Syndromes, Hereditary; Tumor predisposition; Hereditary Cancer Syndrome; Hereditary neoplastic syndrome. Identifiers: Orphanet 140162, MedGen C0027672, MeSH D009386, MONDO:0015356.

Submission:

Ambry Genetics
Classification: Pathogenic for Hereditary cancer-predisposing syndrome. Last evaluated: 2020-10-23. Review status: criteria provided, single submitter. Criteria: Ambry Variant Classification Scheme 2023. Collection method: clinical testing. Allele origin: germline.
Comment: The c.1757_2229dup473 pathogenic mutation, located in coding exon 4 of the MSH6 gene, results from a duplication of 473 nucleotides at nucleotide position c.1757 to c.2229, causing a translational frameshift with a predicted alternate stop codon (p.E744Wfs*24). This alteration is expected to result in loss of function by premature protein truncation or nonsense-mediated mRNA decay. As such, this alteration is interpreted as a disease-causing mutation.

NM_000179.3(MSH6):c.1757_2229dup (p.Glu744delinsTrpHisThrIleProGlnTyrLysPheTyrLeuLysLysGluIleSerGlnArgLysLeuLysGlnPheTer)

Gene: MSH6 (mutS homolog 6; plus strand). Cytogenetic location: 2p16.3.
Variant type: Duplication.
Coding change: c.1757_2229dup on transcript NM_000179.3 (MANE Select); coding-DNA positions 1757 to 2229, 473 bases duplicated.
Protein change: p.Glu744delinsTrpHisThrIleProGlnTyrLysPheTyrLeuLysLysGluIleSerGlnArgLysLeuLysGlnPheTer.
Molecular consequence: nonsense. On other transcripts: frameshift variant (35).
Genome position (GRCh38, 1-based): chr2:47,799,740-47,800,212, 473 bases duplicated. GRCh37 (hg19): chr2:48,026,879-48,027,351.
Other names: c.1367_1839dup, p.Glu614delinsTrpHisThrIleProGlnTyrLysPheTyrLeuLysLysGluIleSerGlnArgLysLeuLysGlnPheTer (NM_001281492.2); c.851_1323dup, p.Glu442delinsTrpHisThrIleProGlnTyrLysPheTyrLeuLysLysGluIleSerGlnArgLysLeuLysGlnPheTer (NM_001281493.2, NM_001281494.2); c.1853_2325dup, p.Glu776Trpfs (NM_001406795.1, NM_001406802.1); c.1757_2229dup, p.Glu744Trpfs (NM_001406796.1, NM_001406798.1, NM_001406800.1 and 3 more transcripts); c.1460_1932dup, p.Glu645Trpfs (NM_001406797.1, NM_001406801.1, NM_001406805.1 and 10 more transcripts); c.1232_1704dup, p.Glu569Trpfs (NM_001406799.1, NM_001406806.1, NM_001406807.1); c.1679_2151dup, p.Glu718Trpfs (NM_001406804.1); c.851_1323dup, p.Glu442Trpfs (NM_001406811.1, NM_001406812.1, NM_001406814.1 and 4 more transcripts); and 3 more.
Identifiers: ClinVar variation 1779482 (VCV001779482.2), dbSNP rs2530628202, ClinGen allele CA2580067691.